The following is an entry in ClinVar:

NM_001145809.2(MYH14):c.3984T>G (p.Asp1328Glu)

Gene: MYH14 (myosin heavy chain 14; plus strand). Cytogenetic location: 19q13.33.
Variant type: single nucleotide variant.
Coding change: c.3984T>G on transcript NM_001145809.2 (MANE Select); coding-DNA position 3984, T replaced by G.
Protein change: p.Asp1328Glu; replaces aspartic acid 1328 with glutamic acid.
Molecular consequence: missense variant.
Genome position (GRCh38, 1-based): chr19:50,278,241, T>G. VCF-style: chr19-50278241-T-G. GRCh37 (hg19) VCF-style: chr19-50781498-T-G.
Other names: c.3885T>G, p.Asp1295Glu (NM_001077186.2); c.3861T>G, p.Asp1287Glu (NM_024729.4); short protein forms D1328E, D1295E, D1287E.
Identifiers: ClinVar variation 2832716 (VCV002832716.3), dbSNP rs558592237, ClinGen allele CA9593386.

ClinVar aggregate classification (germline): Uncertain significance (1 of 4 stars; one submission).

Allele frequency attached by ClinVar (database versions not stated): gnomAD 0.00001; ExAC 0.00010; 1000 Genomes Project 30x 0.00016; 1000 Genomes Project 0.00020.
gnomAD v4.1: 21 of 1,596,372 alleles (0.0013%); highest among the groups gnomAD compares: South Asian, 0.023%; no homozygotes.

Submission:

Labcorp Genetics (formerly Invitae), Labcorp
Classification: Uncertain significance. Last evaluated: 2023-11-21. Review status: criteria provided, single submitter. Criteria: Invitae Variant Classification Sherloc (09022015). Collection method: clinical testing. Allele origin: germline.
Comment: This sequence change replaces aspartic acid, which is acidic and polar, with glutamic acid, which is acidic and polar, at codon 1287 of the MYH14 protein (p.Asp1287Glu). This variant is present in population databases (rs558592237, gnomAD 0.03%). This variant has not been reported in the literature in individuals affected with MYH14-related conditions. Advanced modeling of protein sequence and biophysical properties (such as structural, functional, and spatial information, amino acid conservation, physicochemical variation, residue mobility, and thermodynamic stability) performed at Invitae indicates that this missense variant is not expected to disrupt MYH14 protein function with a negative predictive value of 80%. In summary, the available evidence is currently insufficient to determine the role of this variant in disease. Therefore, it has been classified as a Variant of Uncertain Significance.